The following is an entry in ClinVar:

ClinVar aggregate classification (germline): Uncertain significance (1 of 4 stars; one submission).

Conditions:
Kabuki syndrome. Also called: Kabuki make-up syndrome; NIIKAWA-KUROKI SYNDROME. Identifiers: Orphanet 2322, MedGen C0796004, MONDO:0016512.

Submission:

Labcorp Genetics (formerly Invitae), Labcorp
Classification: Uncertain significance for Kabuki syndrome. Last evaluated: 2022-09-09. Review status: criteria provided, single submitter. Criteria: Invitae Variant Classification Sherloc (09022015). Collection method: clinical testing. Allele origin: germline.
Comment: This variant has not been reported in the literature in individuals affected with KMT2D-related conditions. In summary, the available evidence is currently insufficient to determine the role of this variant in disease. Therefore, it has been classified as a Variant of Uncertain Significance. Advanced modeling of protein sequence and biophysical properties (such as structural, functional, and spatial information, amino acid conservation, physicochemical variation, residue mobility, and thermodynamic stability) performed at Invitae indicates that this missense variant is not expected to disrupt KMT2D protein function. This variant is not present in population databases (gnomAD no frequency). This sequence change replaces serine, which is neutral and polar, with tyrosine, which is neutral and polar, at codon 789 of the KMT2D protein (p.Ser789Tyr).

NM_003482.4(KMT2D):c.2366C>A (p.Ser789Tyr)

Gene: KMT2D (lysine methyltransferase 2D; minus strand). Cytogenetic location: 12q13.12.
Variant type: single nucleotide variant.
Coding change: c.2366C>A on transcript NM_003482.4 (MANE Select); coding-DNA position 2366, C replaced by A.
Protein change: p.Ser789Tyr; replaces serine 789 with tyrosine.
Molecular consequence: missense variant.
Genome position (GRCh38, 1-based): chr12:49,051,317, G>T on the plus strand (C>A on the coding strand, the complement: KMT2D is on the minus strand). VCF-style: chr12-49051317-G-T. GRCh37 (hg19) VCF-style: chr12-49445100-G-T.
Other names: short protein forms S789Y.
Identifiers: ClinVar variation 1719137 (VCV001719137.5), dbSNP rs2120667888, ClinGen allele CA384666158.